The following is an entry in ClinVar:

ClinVar aggregate classification (germline): Conflicting classifications of pathogenicity. Review status: criteria provided, conflicting classifications (1 of 4 stars). 2 submissions from 2 submitters: Uncertain significance (1); Benign (1). Last evaluated 2025-07-06.

Conditions:
Hereditary cancer-predisposing syndrome. Also called: Neoplastic Syndromes, Hereditary; Tumor predisposition; Hereditary Cancer Syndrome; Hereditary neoplastic syndrome. Identifiers: Orphanet 140162, MedGen C0027672, MeSH D009386, MONDO:0015356.
Tuberous sclerosis 2 (TSC2). Identifiers: Orphanet 805, MedGen C1860707, MONDO:0013199, OMIM 613254.

Allele frequency attached by ClinVar (database versions not stated): gnomAD exomes below 0.00001; TOPMed below 0.00001.
gnomAD v4.1: 4 of 1,598,472 alleles (0.00025%); highest among the groups gnomAD compares: African/African-American, 0.0013%; no homozygotes.

Submissions (2):

Labcorp Genetics (formerly Invitae), Labcorp
Classification: Benign for Tuberous sclerosis 2. Last evaluated: 2025-07-06. Review status: criteria provided, single submitter. Criteria: Invitae Variant Classification Sherloc (09022015). Collection method: clinical testing. Allele origin: germline.

Ambry Genetics
Classification: Uncertain significance for Hereditary cancer-predisposing syndrome. Last evaluated: 2024-08-05. Review status: criteria provided, single submitter. Criteria: Ambry Variant Classification Scheme 2023. Collection method: clinical testing. Allele origin: germline.
Comment: The p.N1488S variant (also known as c.4463A>G), located in coding exon 33 of the TSC2 gene, results from an A to G substitution at nucleotide position 4463. The asparagine at codon 1488 is replaced by serine, an amino acid with highly similar properties. This amino acid position is not well conserved in available vertebrate species. In addition, the in silico prediction for this alteration is inconclusive. Since supporting evidence is limited at this time, the clinical significance of this alteration remains unclear.

NM_000548.5(TSC2):c.4463A>G (p.Asn1488Ser)

Gene: TSC2 (TSC complex subunit 2; plus strand). Cytogenetic location: 16p13.3.
Variant type: single nucleotide variant.
Coding change: c.4463A>G on transcript NM_000548.5 (MANE Select); coding-DNA position 4463, A replaced by G.
Protein change: p.Asn1488Ser; replaces asparagine 1488 with serine.
Molecular consequence: missense variant.
Genome position (GRCh38, 1-based): chr16:2,084,685, A>G. VCF-style: chr16-2084685-A-G. GRCh37 (hg19) VCF-style: chr16-2134686-A-G.
Other names: c.4295A>G, p.Asn1432Ser (NM_001318832.2); c.4265A>G, p.Asn1422Ser (NM_001363528.2); c.4331A>G, p.Asn1444Ser (NM_001370404.1); c.4334A>G, p.Asn1445Ser (NM_001370405.1, NM_021055.3); c.4262A>G, p.Asn1421Ser (NM_001077183.3); c.4394A>G, p.Asn1465Ser (NM_001114382.3); c.4154A>G, p.Asn1385Ser (NM_001318827.2); c.4118A>G, p.Asn1373Ser (NM_001318829.2); and 1 more; short protein forms N1488S, N1385S, N1421S, N1244S, N1373S, N1445S, N1422S, N1444S.
Identifiers: ClinVar variation 535914 (VCV000535914.13), dbSNP rs999699219, ClinGen allele CA276753586.
Genomic context (GRCh38, chr16:2,084,685, plus strand): 5'-CATCACGCAGGGGCAAGAGAGTAGAGAGGGACGCCTTAAAGAGCAGAGCCACAGCCTCCA[A>G]TGCAGAGAAAGTGCCAGGCATCAACCCCAGGTGGGCCTCTTGCTTCCGGGCGGGGCTCCT-3'
Protein context (NP_000539.2, residues 1478-1498): DALKSRATAS[Asn1488Ser]AEKVPGINPS